The following is an entry in ClinVar:

NM_000212.3(ITGB3):c.2196C>T (p.Leu732=)

Genes: EFCAB13-DT (EFCAB13 divergent transcript; minus strand), ITGB3 (integrin subunit beta 3; plus strand). Cytogenetic location: 17q21.32.
Variant type: single nucleotide variant.
Coding change: c.2196C>T on transcript NM_000212.3 (MANE Select); coding-DNA position 2196, C replaced by T.
Protein change: p.Leu732=; no amino-acid change (leucine 732 retained).
Molecular consequence: synonymous variant.
Genome position (GRCh38, 1-based): chr17:47,307,532, C>T. VCF-style: chr17-47307532-C-T. GRCh37 (hg19) VCF-style: chr17-45384898-C-T.
Identifiers: ClinVar variation 696104 (VCV000696104.13), dbSNP rs201741054, ClinGen allele CA8623474.

ClinVar aggregate classification (germline): Likely benign. Review status: reviewed by expert panel (3 of 4 stars). 4 submissions from 4 submitters: Likely benign (1). 3 of the submissions do not count toward it. Last evaluated 2021-05-07.

Conditions:
Glanzmann thrombasthenia. Also called: Glanzmann's thrombasthenia; BLEEDING DISORDER, PLATELET-TYPE, 2; THROMBASTHENIA OF GLANZMANN AND NAEGELI; PLATELET GLYCOPROTEIN IIb-IIIa DEFICIENCY; Thrombasthenia. Identifiers: Orphanet 849, MedGen C0040015, MONDO:0100326.
ITGB3-related disorder. Also called: ITGB3-related condition.

Allele frequency attached by ClinVar (database versions not stated): ESP Exome Variant Server 0.00008; gnomAD exomes 0.00017 and 0.00039; ExAC 0.00018; gnomAD 0.00019; TOPMed 0.00020.
gnomAD v4.1: 574 of 1,614,052 alleles (0.036%); highest among the groups gnomAD compares: Non-Finnish European, 0.048%; no homozygotes.

Submissions (4):

ClinGen Platelet Disorders Variant Curation Expert Panel, ClinGen
Classification: Likely benign for Glanzmann thrombasthenia. Last evaluated: 2021-05-07. Review status: reviewed by expert panel. Criteria: ClinGen Platelet ACMG Specifications v2. Collection method: curation. Allele origin: germline. Inheritance: Autosomal recessive inheritance.
Comment: The NM_000212.3(ITGB3):c.2196C>T (p.Leu732=) synonymous variant was observed by Illumina as part of a predisposition screen in an ostensibly healthy population but has not been reported in a GT patient. Splicing prediction algorithms (MaxEntScan, HSF, and SpliceAI) predict no impact on splicing. The variant occurs at an intermediate allele frequency of 0.0003097 (40/129170) in the gnomAD non-Finnish European population. In summary this variant meets criteria to be classified as likely benign. GT-specific criteria applied: BP4 and BP7.

Labcorp Genetics (formerly Invitae), Labcorp
Classification: Likely benign. Last evaluated: 2025-08-30. Review status: criteria provided, single submitter. Criteria: Invitae Variant Classification Sherloc (09022015). Collection method: clinical testing. Allele origin: germline. Not counted in ClinVar's aggregate classification.

Illumina Laboratory Services, Illumina
Classification: Uncertain significance for Glanzmann thrombasthenia 1. Last evaluated: 2018-01-13. Review status: criteria provided, single submitter. Criteria: ICSL Variant Classification Criteria 13 December 2019. Collection method: clinical testing. Allele origin: germline. Not counted in ClinVar's aggregate classification.

PreventionGenetics, part of Exact Sciences
Classification: Likely benign for ITGB3-related condition. Last evaluated: 2019-06-25. Review status: no assertion criteria provided. Collection method: clinical testing. Allele origin: germline. Not counted in ClinVar's aggregate classification.
Comment: This variant is classified as likely benign based on ACMG/AMP sequence variant interpretation guidelines (Richards et al. 2015 PMID: 25741868, with internal and published modifications).